The following is an entry in ClinVar:

NM_000338.3(SLC12A1):c.960G>C (p.Met320Ile)

Gene: SLC12A1 (solute carrier family 12 member 1; plus strand). Cytogenetic location: 15q21.1.
Variant type: single nucleotide variant.
Coding change: c.960G>C on transcript NM_000338.3 (MANE Select); coding-DNA position 960, G replaced by C.
Protein change: p.Met320Ile; replaces methionine 320 with isoleucine.
Molecular consequence: missense variant.
Genome position (GRCh38, 1-based): chr15:48,230,488, G>C. VCF-style: chr15-48230488-G-C. GRCh37 (hg19) VCF-style: chr15-48522685-G-C.
Other names: c.960G>C, p.Met320Ile (NM_001184832.2, NM_001384136.1); short protein forms M320I.
Identifiers: ClinVar variation 2116315 (VCV002116315.3), dbSNP rs749848045, ClinGen allele CA7546938.
Genomic context (GRCh38, chr15:48,230,488, plus strand): 5'-CATCCGGATTATAGGCTCCATCACAGTGGTGATTCTTCTAGGAATTTCAGTAGCTGGAAT[G>C]GAATGGGAGGCAAAGGTAAATTTCTCAAAAATGATATTATCAACAGTGGCTGGTCAGGTC-3'
Protein context (NP_000329.2, residues 310-330): VILLGISVAG[Met320Ile]EWEAKAQVIL

ClinVar aggregate classification (germline): Uncertain significance (1 of 4 stars; one submission).

Allele frequency attached by ClinVar (database versions not stated): gnomAD exomes below 0.00001; ExAC 0.00001.
gnomAD v4.1: 5 of 1,606,966 alleles (0.00031%); highest among the groups gnomAD compares: Non-Finnish European, 0.00043%; no homozygotes.

Submission:

Labcorp Genetics (formerly Invitae), Labcorp
Classification: Uncertain significance. Last evaluated: 2024-10-16. Review status: criteria provided, single submitter. Criteria: Invitae Variant Classification Sherloc (09022015). Collection method: clinical testing. Allele origin: germline.
Comment: This sequence change replaces methionine, which is neutral and non-polar, with isoleucine, which is neutral and non-polar, at codon 320 of the SLC12A1 protein (p.Met320Ile). This variant is present in population databases (rs749848045, gnomAD 0.0009%). This variant has not been reported in the literature in individuals affected with SLC12A1-related conditions. ClinVar contains an entry for this variant (Variation ID: 2116315). Invitae Evidence Modeling of protein sequence and biophysical properties (such as structural, functional, and spatial information, amino acid conservation, physicochemical variation, residue mobility, and thermodynamic stability) has been performed for this missense variant. However, the output from this modeling did not meet the statistical confidence thresholds required to predict the impact of this variant on SLC12A1 protein function. In summary, the available evidence is currently insufficient to determine the role of this variant in disease. Therefore, it has been classified as a Variant of Uncertain Significance.